The following is an entry in ClinVar:

ClinVar aggregate classification (germline): Pathogenic (1 of 4 stars; one submission).

Submission:

Labcorp Genetics (formerly Invitae), Labcorp
Classification: Pathogenic. Last evaluated: 2025-01-28. Review status: criteria provided, single submitter. Criteria: Invitae Variant Classification Sherloc (09022015). Collection method: clinical testing. Allele origin: germline.
Comment: This sequence change affects a donor splice site in intron 15 of the FBXO11 gene. It is expected to disrupt RNA splicing. Variants that disrupt the donor or acceptor splice site typically lead to a loss of protein function (PMID: 16199547), and loss-of-function variants in FBXO11 are known to be pathogenic (PMID: 30057029, 30679813). This variant is not present in population databases (gnomAD no frequency). Disruption of this splice site has been observed in individual(s) with FBXO11-related conditions (internal data). In at least one individual the variant was observed to be de novo. Algorithms developed to predict the effect of sequence changes on RNA splicing suggest that this variant may disrupt the consensus splice site. For these reasons, this variant has been classified as Pathogenic.

Literature cited by the submitters: PubMed 16199547; PubMed 30057029; PubMed 30679813.

NM_001190274.2(FBXO11):c.1920+1G>A

Gene: FBXO11 (F-box protein 11; minus strand). Cytogenetic location: 2p16.3.
Variant type: single nucleotide variant.
Coding change: c.1920+1G>A on transcript NM_001190274.2 (MANE Select); the canonical splice donor site of the intron after coding-DNA position 1920, G replaced by A.
Molecular consequence: splice donor variant.
Genome position (GRCh38, 1-based): chr2:47,818,955, C>T on the plus strand (G>A on the coding strand, the complement: FBXO11 is on the minus strand). VCF-style: chr2-47818955-C-T. GRCh37 (hg19) VCF-style: chr2-48046094-C-T.
Other names: c.1668+1G>A (NM_001374325.1, NM_025133.4).
Identifiers: ClinVar variation 4711140 (VCV004711140.1).